The following is an entry in ClinVar:

NM_000090.4(COL3A1):c.4255A>G (p.Lys1419Glu)

Gene: COL3A1 (collagen type III alpha 1 chain; plus strand). Cytogenetic location: 2q32.2.
Variant type: single nucleotide variant.
Coding change: c.4255A>G on transcript NM_000090.4 (MANE Select); coding-DNA position 4255, A replaced by G.
Protein change: p.Lys1419Glu; replaces lysine 1419 with glutamic acid.
Molecular consequence: missense variant.
Genome position (GRCh38, 1-based): chr2:189,011,628, A>G. VCF-style: chr2-189011628-A-G. GRCh37 (hg19) VCF-style: chr2-189876354-A-G.
Other names: p.Lys1419Glu; short protein forms K1419E.
Identifiers: ClinVar variation 3711770 (VCV003711770.3).

ClinVar aggregate classification (germline): Uncertain significance. Review status: criteria provided, multiple submitters, no conflicts (2 of 4 stars). 2 submissions from 2 submitters: Uncertain significance (2). Last evaluated 2025-05-07.

Conditions:
Ehlers-Danlos syndrome, type 4 (EDSVASC). Also called: Ehlers-Danlos syndrome vascular type; Ehlers Danlos syndrome, ecchymotic type; Ehlers Danlos syndrome, arterial type; Ehlers Danlos syndrome, Sack-Barabas type; Ehlers-Danlos Syndrome Type IV. Identifiers: Orphanet 286, MedGen C0268338, MONDO:0017314, OMIM 130050.

gnomAD v4.1: 5 of 1,613,996 alleles (0.00031%); highest among the groups gnomAD compares: Non-Finnish European, 0.00034%; no homozygotes.

Submissions (2):

Mayo Clinic Laboratories, Mayo Clinic
Classification: Uncertain significance. Last evaluated: 2025-05-07. Review status: criteria provided, single submitter. Criteria: ACMG Guidelines, 2015. Collection method: clinical testing. Allele origin: germline. Observed: 1 variant allele.
Comment: PP2, PM2_supporting

Labcorp Genetics (formerly Invitae), Labcorp
Classification: Uncertain significance for Ehlers-Danlos syndrome, type 4. Last evaluated: 2024-09-29. Review status: criteria provided, single submitter. Criteria: Invitae Variant Classification Sherloc (09022015). Collection method: clinical testing. Allele origin: germline.
Comment: This sequence change replaces lysine, which is basic and polar, with glutamic acid, which is acidic and polar, at codon 1419 of the COL3A1 protein (p.Lys1419Glu). This variant is not present in population databases (gnomAD no frequency). This variant has not been reported in the literature in individuals affected with COL3A1-related conditions. Experimental studies and prediction algorithms are not available or were not evaluated, and the functional significance of this variant is currently unknown. In summary, the available evidence is currently insufficient to determine the role of this variant in disease. Therefore, it has been classified as a Variant of Uncertain Significance.